The following is an entry in ClinVar:

NM_017668.3(NDE1):c.302C>T (p.Ala101Val)

Gene: NDE1 (nudE neurodevelopment protein 1; plus strand). Cytogenetic location: 16p13.11.
Variant type: single nucleotide variant.
Coding change: c.302C>T on transcript NM_017668.3 (MANE Select); coding-DNA position 302, C replaced by T.
Protein change: p.Ala101Val; replaces alanine 101 with valine.
Molecular consequence: missense variant.
Genome position (GRCh38, 1-based): chr16:15,677,865, C>T. VCF-style: chr16-15677865-C-T. GRCh37 (hg19) VCF-style: chr16-15771722-C-T.
Other names: c.302C>T, p.Ala101Val (NM_001143979.2); short protein forms A101V.
Identifiers: ClinVar variation 287331 (VCV000287331.22), dbSNP rs201587506, ClinGen allele CA7920565.

ClinVar aggregate classification (germline): Uncertain significance. Review status: criteria provided, multiple submitters, no conflicts (2 of 4 stars). 8 submissions from 8 submitters: Uncertain significance (8). Last evaluated 2024-01-05.

Conditions:
Lissencephaly 4 (LIS4). Also called: Lissencephaly 4 (with microcephaly). Identifiers: Orphanet 1083, MedGen C3151461, MONDO:0013527, OMIM 614019.
NDE1-related microhydranencephaly (MHAC). Also called: HYDRANENCEPHALY AND MICROCEPHALY. Identifiers: Orphanet 443162, MedGen C1857977, MONDO:0011504, OMIM 605013.

Allele frequency attached by ClinVar (database versions not stated): ESP Exome Variant Server 0.00008; gnomAD 0.00019 and 0.00020; TOPMed 0.00021.
gnomAD v4.1: 331 of 1,613,952 alleles (0.021%); highest among the groups gnomAD compares: Middle Eastern, 0.48%; 3 homozygotes.

Submissions (8):

GeneDx
Classification: Uncertain significance. Last evaluated: 2024-01-05. Review status: criteria provided, single submitter. Criteria: GeneDx Variant Classification Process June 2021. Collection method: clinical testing. Allele origin: germline. Affected: yes.
Comment: In silico analysis supports that this missense variant has a deleterious effect on protein structure/function; Has not been previously published as pathogenic or benign to our knowledge; This variant is associated with the following publications: (PMID: 21529752)

Labcorp Genetics (formerly Invitae), Labcorp
Classification: Uncertain significance. Last evaluated: 2023-12-06. Review status: criteria provided, single submitter. Criteria: Invitae Variant Classification Sherloc (09022015). Collection method: clinical testing. Allele origin: germline.
Comment: This sequence change replaces alanine, which is neutral and non-polar, with valine, which is neutral and non-polar, at codon 101 of the NDE1 protein (p.Ala101Val). This variant is present in population databases (rs201587506, gnomAD 0.2%). This variant has not been reported in the literature in individuals affected with NDE1-related conditions. ClinVar contains an entry for this variant (Variation ID: 287331). Advanced modeling of protein sequence and biophysical properties (such as structural, functional, and spatial information, amino acid conservation, physicochemical variation, residue mobility, and thermodynamic stability) performed at Invitae indicates that this missense variant is not expected to disrupt NDE1 protein function with a negative predictive value of 80%. In summary, the available evidence is currently insufficient to determine the role of this variant in disease. Therefore, it has been classified as a Variant of Uncertain Significance.

Revvity Omics, Revvity
Classification: Uncertain significance. Last evaluated: 2020-10-02. Review status: criteria provided, single submitter. Criteria: ACMG Guidelines, 2015. Collection method: clinical testing. Allele origin: germline.

Fulgent Genetics
Classification: Uncertain significance for NDE1-related microhydranencephaly; Lissencephaly 4. Last evaluated: 2018-10-31. Review status: criteria provided, single submitter. Criteria: ACMG Guidelines, 2015. Collection method: clinical testing. Allele origin: unknown.

Illumina Laboratory Services, Illumina
Classification: Uncertain significance for Lissencephaly 4. Last evaluated: 2018-01-13. Review status: criteria provided, single submitter. Criteria: ICSL Variant Classification Criteria 13 December 2019. Collection method: clinical testing. Allele origin: germline.

Eurofins Ntd Llc (ga)
Classification: Uncertain significance. Last evaluated: 2016-05-12. Review status: criteria provided, single submitter. Criteria: EGL Classification Definitions 2015. Collection method: clinical testing. Allele origin: germline. Observed: 1 variant allele, 1 heterozygote.

Genetic Services Laboratory, University of Chicago
Classification: Uncertain significance. Last evaluated: 2016-05-09. Review status: criteria provided, single submitter. Criteria: ACMG Guidelines, 2015. Collection method: clinical testing. Allele origin: germline. Affected: no.

Breakthrough Genomics
Classification: Uncertain significance. Review status: criteria provided, single submitter. Criteria: ACMG Guidelines, 2015. Collection method: not provided. Allele origin: germline. Inheritance: Autosomal recessive inheritance. Affected: yes.